The following is an entry in ClinVar:

NM_001291303.3(FAT4):c.14841T>A (p.Asp4947Glu)

Gene: FAT4 (FAT atypical cadherin 4; plus strand). Cytogenetic location: 4q28.1.
Variant type: single nucleotide variant.
Coding change: c.14841T>A on transcript NM_001291303.3 (MANE Select); coding-DNA position 14841, T replaced by A.
Protein change: p.Asp4947Glu; replaces aspartic acid 4947 with glutamic acid.
Molecular consequence: missense variant.
Genome position (GRCh38, 1-based): chr4:125,491,657, T>A. VCF-style: chr4-125491657-T-A. GRCh37 (hg19) VCF-style: chr4-126412812-T-A.
Other names: c.14838T>A, p.Asp4946Glu (NM_001291285.3); c.14835T>A, p.Asp4945Glu (NM_024582.6); short protein forms D4945E, D4946E, D4947E.
Identifiers: ClinVar variation 809684 (VCV000809684.47), dbSNP rs768693221, ClinGen allele CA3074633.

ClinVar aggregate classification (germline): Uncertain significance. Review status: criteria provided, multiple submitters, no conflicts (2 of 4 stars). 2 submissions from 2 submitters: Uncertain significance (2). Last evaluated 2022-02-02.

gnomAD v4.1: 10 of 1,614,174 alleles (0.00062%); highest among the groups gnomAD compares: Non-Finnish European, 0.00076%; no homozygotes.

Submissions (2):

Labcorp Genetics (formerly Invitae), Labcorp
Classification: Uncertain significance. Last evaluated: 2022-02-02. Review status: criteria provided, single submitter. Criteria: Invitae Variant Classification Sherloc (09022015). Collection method: clinical testing. Allele origin: germline.
Comment: ClinVar contains an entry for this variant (Variation ID: 809684). This sequence change replaces aspartic acid, which is acidic and polar, with glutamic acid, which is acidic and polar, at codon 4945 of the FAT4 protein (p.Asp4945Glu). This variant is present in population databases (rs768693221, gnomAD 0.0009%). This variant has not been reported in the literature in individuals affected with FAT4-related conditions. Advanced modeling of protein sequence and biophysical properties (such as structural, functional, and spatial information, amino acid conservation, physicochemical variation, residue mobility, and thermodynamic stability) performed at Invitae indicates that this missense variant is not expected to disrupt FAT4 protein function. In summary, the available evidence is currently insufficient to determine the role of this variant in disease. Therefore, it has been classified as a Variant of Uncertain Significance.

CeGaT Center for Human Genetics Tuebingen
Classification: Uncertain significance. Last evaluated: 2017-07-01. Review status: criteria provided, single submitter. Criteria: CeGaT Center For Human Genetics Tuebingen Variant Classification Criteria Version 2. Collection method: clinical testing. Allele origin: germline. Affected: yes. Observed: 1 variant allele.